The following is an entry in ClinVar:

NM_134261.3(RORA):c.196+51401_196+51402del

Genes: RORA (RAR related orphan receptor A; minus strand), RORA-AS1 (RORA antisense RNA 1; plus strand). Cytogenetic location: 15q22.2.
Variant type: Deletion.
Coding change: c.196+51401_196+51402del on transcript NM_134261.3 (MANE Select); bases 51401 to 51402 of the intron after coding-DNA position 196, 2 bases deleted (CA; older notation c.196+51401_196+51402delCA).
Molecular consequence: intron variant. On other transcripts: frameshift variant (2).
Genome position (GRCh38, 1-based): chr15:60,627,255-60,627,256, TG deleted on the plus strand (CA on the coding strand, the reverse complement: RORA is on the minus strand). VCF-style (leftmost placement, unchanged base first): chr15-60627254-CTG-C. GRCh37 (hg19) VCF-style: chr15-60919453-CTG-C.
Other names: c.119_120del, p.Ala40fs (NM_002943.4, NM_134260.3); short protein forms A40fs.
Identifiers: ClinVar variation 4056910 (VCV004056910.2).
Genomic context (GRCh38, chr15:60,627,254, plus strand): 5'-ACAGTGATCAGCAGAGCAAAGAACTTGCTCTCAGTGGCTCTTACCTTCTGGCTCCTTCAC[CTG>C]CAGGTGTGGGTGTGGCAGACATTCTGGCCTGTCCAGTTCGAAGACAATGACCCATGATTG-3'

ClinVar aggregate classification (germline): Uncertain significance. Review status: criteria provided, multiple submitters, no conflicts (2 of 4 stars). 2 submissions from 2 submitters: Uncertain significance (2). Last evaluated 2025-01-06.

Submissions (2):

GeneDx
Classification: Uncertain significance. Last evaluated: 2025-01-06. Review status: criteria provided, single submitter. Criteria: GeneDx Variant Classification Process June 2021. Collection method: clinical testing. Allele origin: germline. Affected: yes.
Comment: Frameshift variant predicted to result in protein truncation or nonsense mediated decay in a gene or region of a gene for which loss of function is not a well-established mechanism of disease; Has not been previously published as pathogenic or benign to our knowledge; Reported using an alternate transcript of the gene

Blueprint Genetics
Classification: Uncertain significance. Last evaluated: 2022-03-12. Review status: criteria provided, single submitter. Criteria: ACMG Guidelines, 2015. Collection method: clinical testing. Allele origin: germline.